The following is an entry in ClinVar:

NM_002381.5(MATN3):c.80C>T (p.Ala27Val)

Gene: MATN3 (matrilin 3; minus strand). Cytogenetic location: 2p24.1.
Variant type: single nucleotide variant.
Coding change: c.80C>T on transcript NM_002381.5 (MANE Select); coding-DNA position 80, C replaced by T.
Protein change: p.Ala27Val; replaces alanine 27 with valine.
Molecular consequence: missense variant.
Genome position (GRCh38, 1-based): chr2:20,012,552, G>A on the plus strand (C>T on the coding strand, the complement: MATN3 is on the minus strand). VCF-style: chr2-20012552-G-A. GRCh37 (hg19) VCF-style: chr2-20212313-G-A.
Other names: short protein forms A27V.
Identifiers: ClinVar variation 4749173 (VCV004749173.1).

ClinVar aggregate classification (germline): Uncertain significance (1 of 4 stars; one submission).

gnomAD v4.1: 4 of 1,226,278 alleles (0.00033%); highest among the groups gnomAD compares: African/African-American, 0.0047%; no homozygotes.

Submission:

Labcorp Genetics (formerly Invitae), Labcorp
Classification: Uncertain significance. Last evaluated: 2026-01-14. Review status: criteria provided, single submitter. Criteria: Invitae Variant Classification Sherloc (09022015). Collection method: clinical testing. Allele origin: germline.
Comment: This sequence change replaces alanine, which is neutral and non-polar, with valine, which is neutral and non-polar, at codon 27 of the MATN3 protein (p.Ala27Val). This variant is not present in population databases (gnomAD no frequency). This variant has not been reported in the literature in individuals affected with MATN3-related conditions. An algorithm developed to predict the effect of missense changes on protein structure and function outputs the following: PolyPhen-2: "Not Available". The valine amino acid residue is found in multiple mammalian species, which suggests that this missense change does not adversely affect protein function. In summary, the available evidence is currently insufficient to determine the role of this variant in disease. Therefore, it has been classified as a Variant of Uncertain Significance.